The following is an entry in ClinVar:

ClinVar aggregate classification (germline): Pathogenic (1 of 4 stars; one submission).

Submission:

Labcorp Genetics (formerly Invitae), Labcorp
Classification: Pathogenic. Last evaluated: 2024-03-13. Review status: criteria provided, single submitter. Criteria: Invitae Variant Classification Sherloc (09022015). Collection method: clinical testing. Allele origin: germline.
Comment: This sequence change affects an acceptor splice site in intron 35 of the ABCA4 gene. It is expected to disrupt RNA splicing. Variants that disrupt the donor or acceptor splice site typically lead to a loss of protein function (PMID: 16199547), and loss-of-function variants in ABCA4 are known to be pathogenic (PMID: 10958761, 24938718, 25312043, 26780318). This variant is not present in population databases (gnomAD no frequency). Disruption of this splice site has been observed in individual(s) with Stargardt disease (PMID: 33301772). Algorithms developed to predict the effect of sequence changes on RNA splicing suggest that this variant may disrupt the consensus splice site. For these reasons, this variant has been classified as Pathogenic.

Literature cited by the submitters: PubMed 16199547; PubMed 10958761; PubMed 24938718; PubMed 25312043; PubMed 26780318; PubMed 33301772.

NM_000350.3(ABCA4):c.5019-1G>A

Gene: ABCA4 (ATP binding cassette subfamily A member 4; minus strand). Cytogenetic location: 1p22.1.
Variant type: single nucleotide variant.
Coding change: c.5019-1G>A on transcript NM_000350.3 (MANE Select); the canonical splice acceptor site of the intron before coding-DNA position 5019, G replaced by A.
Molecular consequence: splice acceptor variant.
Genome position (GRCh38, 1-based): chr1:94,019,760, C>T on the plus strand (G>A on the coding strand, the complement: ABCA4 is on the minus strand). VCF-style: chr1-94019760-C-T. GRCh37 (hg19) VCF-style: chr1-94485316-C-T.
Other names: c.4797-1G>A (NM_001425324.1).
Identifiers: ClinVar variation 3676995 (VCV003676995.2).